The following is an entry in ClinVar:

NM_002386.4(MC1R):c.790A>G (p.Ile264Val)

Gene: MC1R (melanocortin 1 receptor; plus strand). Cytogenetic location: 16q24.3.
Variant type: single nucleotide variant.
Coding change: c.790A>G on transcript NM_002386.4 (MANE Select); coding-DNA position 790, A replaced by G.
Protein change: p.Ile264Val; replaces isoleucine 264 with valine.
Molecular consequence: missense variant.
Genome position (GRCh38, 1-based): chr16:89,920,048, A>G. VCF-style: chr16-89920048-A-G. GRCh37 (hg19) VCF-style: chr16-89986456-A-G.
Other names: short protein forms I264V.
Identifiers: ClinVar variation 2737531 (VCV002737531.3), dbSNP rs1044424142, ClinGen allele CA286607657.

ClinVar aggregate classification (germline): Uncertain significance (1 of 4 stars; one submission).

Conditions:
Melanoma, cutaneous malignant, susceptibility to, 5. Also called: Cutaneous malignant melanoma 5. Identifiers: Orphanet 618, MedGen C2751295, MONDO:0013133, OMIM 613099.

gnomAD v4.1: 1 of 1,613,680 alleles (0.000062%); highest among the groups gnomAD compares: Non-Finnish European, 0.000085%; no homozygotes.

Submission:

Labcorp Genetics (formerly Invitae), Labcorp
Classification: Uncertain significance for Melanoma, cutaneous malignant, susceptibility to, 5. Last evaluated: 2024-01-19. Review status: criteria provided, single submitter. Criteria: Invitae Variant Classification Sherloc (09022015). Collection method: clinical testing. Allele origin: germline.
Comment: This sequence change replaces isoleucine, which is neutral and non-polar, with valine, which is neutral and non-polar, at codon 264 of the MC1R protein (p.Ile264Val). This variant is present in population databases (no rsID available, gnomAD 0.0009%). This variant has not been reported in the literature in individuals affected with MC1R-related conditions. Advanced modeling of protein sequence and biophysical properties (such as structural, functional, and spatial information, amino acid conservation, physicochemical variation, residue mobility, and thermodynamic stability) performed at Invitae indicates that this missense variant is not expected to disrupt MC1R protein function with a negative predictive value of 80%. In summary, the available evidence is currently insufficient to determine the role of this variant in disease. Therefore, it has been classified as a Variant of Uncertain Significance.